The following is an entry in ClinVar:

ClinVar aggregate classification (germline): Uncertain significance (1 of 4 stars; one submission).

Conditions:
Inborn genetic diseases. Identifiers: MedGen C0950123, MeSH D030342.

gnomAD v4.1: 2 of 1,582,014 alleles (0.00013%); highest among the groups gnomAD compares: South Asian, 0.0023%; no homozygotes.

Submission:

Ambry Genetics
Classification: Uncertain significance for Inborn genetic diseases. Last evaluated: 2024-01-08. Review status: criteria provided, single submitter. Criteria: Ambry Variant Classification Scheme 2023. Collection method: clinical testing. Allele origin: germline.
Comment: The p.S449R variant (also known as c.1347C>G), located in coding exon 10 of the EPAS1 gene, results from a C to G substitution at nucleotide position 1347. The serine at codon 449 is replaced by arginine, an amino acid with dissimilar properties. This amino acid position is conserved. In addition, this alteration is predicted to be tolerated by in silico analysis. Since supporting evidence is limited at this time, the clinical significance of this alteration remains unclear.

NM_001430.5(EPAS1):c.1347C>G (p.Ser449Arg)

Gene: EPAS1 (endothelial PAS domain protein 1; plus strand). Cytogenetic location: 2p21.
Variant type: single nucleotide variant.
Coding change: c.1347C>G on transcript NM_001430.5 (MANE Select); coding-DNA position 1347, C replaced by G.
Protein change: p.Ser449Arg; replaces serine 449 with arginine.
Molecular consequence: missense variant.
Genome position (GRCh38, 1-based): chr2:46,377,991, C>G. VCF-style: chr2-46377991-C-G. GRCh37 (hg19) VCF-style: chr2-46605130-C-G.
Other names: short protein forms S449R.
Identifiers: ClinVar variation 3221539 (VCV003221539.1), dbSNP rs368387065, ClinGen allele CA1644959.
Genomic context (GRCh38, chr2:46,377,991, plus strand): 5'-GGCCATCCTGCCCCCGAGCCAGCCATGGGCCACGGAGTTGAGGAGCCACAGCACCCAGAG[C>G]GAGGCTGGGAGCCTGCCTGCCTTCACCGTGCCCCAGGCAGCTGCCCCGGGCAGCACCACC-3'
Protein context (NP_001421.2, residues 439-459): ATELRSHSTQ[Ser449Arg]EAGSLPAFTV